The following is an entry in ClinVar:

NM_031272.5(TEX14):c.2338A>G (p.Asn780Asp)

Gene: TEX14 (testis expressed 14, intercellular bridge forming factor; minus strand). Cytogenetic location: 17q22.
Variant type: single nucleotide variant.
Coding change: c.2338A>G on transcript NM_031272.5 (MANE Select); coding-DNA position 2338, A replaced by G.
Protein change: p.Asn780Asp; replaces asparagine 780 with aspartic acid.
Molecular consequence: missense variant.
Genome position (GRCh38, 1-based): chr17:58,599,007, T>C on the plus strand (A>G on the coding strand, the complement: TEX14 is on the minus strand). VCF-style: chr17-58599007-T-C. GRCh37 (hg19) VCF-style: chr17-56676368-T-C.
Other names: c.2356A>G, p.Asn786Asp (NM_001201457.2); c.2338A>G, p.Asn780Asp (NM_198393.4); short protein forms N780D, N786D.
Identifiers: ClinVar variation 3060802 (VCV003060802.2), dbSNP rs389389, ClinGen allele CA8676177.

ClinVar aggregate classification (germline): Benign (0 of 4 stars; one submission).

Conditions:
TEX14-related disorder. Also called: TEX14-related condition.

Allele frequency attached by ClinVar (database versions not stated): TOPMed 0.14296; gnomAD 0.14725; ExAC 0.15569; ESP Exome Variant Server 0.16154; gnomAD exomes 0.18983; 1000 Genomes Project 0.08966; 1000 Genomes Project 30x 0.09291.
gnomAD v4.1: 299,478 of 1,613,722 alleles (19%); highest among the groups gnomAD compares: Non-Finnish European, 21%; 30,092 homozygotes.

Submission:

PreventionGenetics, part of Exact Sciences
Classification: Benign for TEX14-related condition. Last evaluated: 2019-10-30. Review status: no assertion criteria provided. Collection method: clinical testing. Allele origin: germline.
Comment: This variant is classified as benign based on ACMG/AMP sequence variant interpretation guidelines (Richards et al. 2015 PMID: 25741868, with internal and published modifications).